The following is an entry in ClinVar:

ClinVar aggregate classification (germline): Likely pathogenic (1 of 4 stars; one submission).

Conditions:
Marfan syndrome (MFS). Also called: MARFAN SYNDROME, TYPE I; Marfan syndrome type 1; Marfan's syndrome; FBN1-Related Marfan Syndrome; Marfan syndrome, classic. Identifiers: Orphanet 284963, Orphanet 558, MedGen C0024796, MONDO:0007947, OMIM 154700.

Submission:

Clinical Genetics Laboratory, Skane University Hospital Lund
Classification: Likely pathogenic for Marfan syndrome. Last evaluated: 2025-09-03. Review status: criteria provided, single submitter. Criteria: ACMG Guidelines, 2015. Collection method: clinical testing. Allele origin: germline. Inheritance: Autosomal dominant inheritance. Affected: yes.
Comment: ACMG criteria: PVS1 and PM2_supporting

NM_000138.5(FBN1):c.7489C>T (p.Gln2497Ter)

Gene: FBN1 (fibrillin 1; minus strand). Cytogenetic location: 15q21.1.
Variant type: single nucleotide variant.
Coding change: c.7489C>T on transcript NM_000138.5 (MANE Select); coding-DNA position 7489, C replaced by T.
Protein change: p.Gln2497Ter; replaces glutamine 2497 with a stop codon.
Molecular consequence: nonsense.
Genome position (GRCh38, 1-based): chr15:48,422,033, G>A on the plus strand (C>T on the coding strand, the complement: FBN1 is on the minus strand). VCF-style: chr15-48422033-G-A. GRCh37 (hg19) VCF-style: chr15-48714230-G-A.
Other names: c.7489C>T, p.Gln2497Ter (NM_001406716.1); short protein forms Q2497*.
Identifiers: ClinVar variation 4077379 (VCV004077379.1).